The following is an entry in ClinVar:

NM_177924.5(ASAH1):c.676C>T (p.Arg226Cys)

Gene: ASAH1 (N-acylsphingosine amidohydrolase 1; minus strand). Cytogenetic location: 8p22.
Variant type: single nucleotide variant.
Coding change: c.676C>T on transcript NM_177924.5 (MANE Select); coding-DNA position 676, C replaced by T.
Protein change: p.Arg226Cys; replaces arginine 226 with cysteine.
Molecular consequence: missense variant.
Genome position (GRCh38, 1-based): chr8:18,061,713, G>A on the plus strand (C>T on the coding strand, the complement: ASAH1 is on the minus strand). VCF-style: chr8-18061713-G-A. GRCh37 (hg19) VCF-style: chr8-17919222-G-A.
Other names: c.658C>T, p.Arg220Cys (NM_001127505.3); c.481C>T, p.Arg161Cys (NM_001363743.2); c.724C>T, p.Arg242Cys (NM_004315.6); c.676C>T (NM_177924.3); short protein forms R226C, R242C, R161C, R220C.
Identifiers: ClinVar variation 1508050 (VCV001508050.6), dbSNP rs1048239757, ClinGen allele CA173141719.

ClinVar aggregate classification (germline): Uncertain significance. Review status: criteria provided, multiple submitters, no conflicts (2 of 4 stars). 2 submissions from 2 submitters: Uncertain significance (2). Last evaluated 2025-08-13.

Conditions:
Inborn genetic diseases. Identifiers: MedGen C0950123, MeSH D030342.

Allele frequency attached by ClinVar (database versions not stated): gnomAD exomes below 0.00001; gnomAD 0.00003 and 0.00004; TOPMed 0.00003.

Submissions (2):

Ambry Genetics
Classification: Uncertain significance for Inborn genetic diseases. Last evaluated: 2025-08-13. Review status: criteria provided, single submitter. Criteria: Ambry Variant Classification Scheme 2023. Collection method: clinical testing. Allele origin: germline.

Labcorp Genetics (formerly Invitae), Labcorp
Classification: Uncertain significance. Last evaluated: 2022-08-19. Review status: criteria provided, single submitter. Criteria: Invitae Variant Classification Sherloc (09022015). Collection method: clinical testing. Allele origin: germline.
Comment: This sequence change replaces arginine, which is basic and polar, with cysteine, which is neutral and slightly polar, at codon 226 of the ASAH1 protein (p.Arg226Cys). This variant is not present in population databases (gnomAD no frequency). This variant has not been reported in the literature in individuals affected with ASAH1-related conditions. ClinVar contains an entry for this variant (Variation ID: 1508050). Algorithms developed to predict the effect of missense changes on protein structure and function (SIFT, PolyPhen-2, Align-GVGD) all suggest that this variant is likely to be disruptive. In summary, the available evidence is currently insufficient to determine the role of this variant in disease. Therefore, it has been classified as a Variant of Uncertain Significance.